The following is an entry in ClinVar:

NM_019023.5(PRMT7):c.849C>G (p.Asp283Glu)

Gene: PRMT7 (protein arginine methyltransferase 7; plus strand). Cytogenetic location: 16q22.1.
Variant type: single nucleotide variant.
Coding change: c.849C>G on transcript NM_019023.5 (MANE Select); coding-DNA position 849, C replaced by G.
Protein change: p.Asp283Glu; replaces aspartic acid 283 with glutamic acid.
Molecular consequence: missense variant. On other transcripts: non-coding transcript variant (12).
Genome position (GRCh38, 1-based): chr16:68,339,890, C>G. VCF-style: chr16-68339890-C-G. GRCh37 (hg19) VCF-style: chr16-68373793-C-G.
Other names: c.699C>G, p.Asp233Glu (NM_001184824.4); c.849C>G, p.Asp283Glu (NM_001290018.2, NM_001351143.3, NM_001351144.3 and 1 more transcripts); c.642C>G, p.Asp214Glu (NM_001378020.1); c.612C>G, p.Asp204Glu (NM_001378021.1, NM_001378022.1, NM_001378023.1); short protein forms D214E, D233E, D204E, D283E.
Identifiers: ClinVar variation 3668469 (VCV003668469.2).
Genomic context (GRCh38, chr16:68,339,890, plus strand): 5'-TAGCAGGCGGTTTGAACCTCTGACATCTGGCCGAGCTCAGGTGGTTCTCTCGTGGTGGGA[C>G]ATTGAAATGGACCCTGAGGGGAAGATCAAGTGCACCATGGCCCCCTTCTGGGCACACTCA-3'
Protein context (NP_061896.1, residues 273-293): GRAQVVLSWW[Asp283Glu]IEMDPEGKIK

ClinVar aggregate classification (germline): Uncertain significance (1 of 4 stars; one submission).

gnomAD v4.1: 136 of 1,614,054 alleles (0.0084%); highest among the groups gnomAD compares: Non-Finnish European, 0.011%; no homozygotes.

Submission:

Labcorp Genetics (formerly Invitae), Labcorp
Classification: Uncertain significance. Last evaluated: 2024-12-24. Review status: criteria provided, single submitter. Criteria: Invitae Variant Classification Sherloc (09022015). Collection method: clinical testing. Allele origin: germline.
Comment: This sequence change replaces aspartic acid, which is acidic and polar, with glutamic acid, which is acidic and polar, at codon 283 of the PRMT7 protein (p.Asp283Glu). This variant is present in population databases (rs375402849, gnomAD 0.01%). This variant has not been reported in the literature in individuals affected with PRMT7-related conditions. Invitae Evidence Modeling of protein sequence and biophysical properties (such as structural, functional, and spatial information, amino acid conservation, physicochemical variation, residue mobility, and thermodynamic stability) indicates that this missense variant is not expected to disrupt PRMT7 protein function with a negative predictive value of 80%. In summary, the available evidence is currently insufficient to determine the role of this variant in disease. Therefore, it has been classified as a Variant of Uncertain Significance.